The following is an entry in ClinVar:

ClinVar aggregate classification (germline): Benign/Likely benign. Review status: criteria provided, multiple submitters, no conflicts (2 of 4 stars). 6 submissions from 6 submitters: Benign (2); Likely benign (1). 3 of the submissions do not count toward it. Last evaluated 2026-02-02.

Conditions:
SKIC3-related disorder. Also called: SKIC3-related condition.
Trichohepatoenteric syndrome 1 (THES1). Also called: DIARRHEA, FATAL INFANTILE, WITH TRICHORRHEXIS NODOSA. Identifiers: Orphanet 84064, MedGen C4551982, MONDO:0024541, OMIM 222470.

Allele frequency attached by ClinVar (database versions not stated): ESP Exome Variant Server 0.00046; gnomAD exomes 0.00109 and 0.00503; gnomAD 0.00135 and 0.00147; 1000 Genomes Project 0.00160; 1000 Genomes Project 30x 0.00250; TOPMed 0.00323; ExAC 0.00388.
gnomAD v4.1: 1,808 of 1,613,794 alleles (0.11%); highest among the groups gnomAD compares: Admixed American, 2.8%; 34 homozygotes.

Submissions (6):

Labcorp Genetics (formerly Invitae), Labcorp
Classification: Benign. Last evaluated: 2026-02-02. Review status: criteria provided, single submitter. Criteria: Invitae Variant Classification Sherloc (09022015). Collection method: clinical testing. Allele origin: germline.

ARUP Laboratories, Molecular Genetics and Genomics, ARUP Laboratories
Classification: Benign. Last evaluated: 2024-12-25. Review status: criteria provided, single submitter. Criteria: ARUP Molecular Germline Variant Investigation Process 2024. Collection method: clinical testing. Allele origin: germline.

Fulgent Genetics
Classification: Likely benign for Trichohepatoenteric syndrome 1. Last evaluated: 2022-04-08. Review status: criteria provided, single submitter. Criteria: ACMG Guidelines, 2015. Collection method: clinical testing. Allele origin: unknown.

PreventionGenetics, part of Exact Sciences
Classification: Benign for SKIC3-related condition. Last evaluated: 2019-10-18. Review status: no assertion criteria provided. Collection method: clinical testing. Allele origin: germline. Not counted in ClinVar's aggregate classification.
Comment: This variant is classified as benign based on ACMG/AMP sequence variant interpretation guidelines (Richards et al. 2015 PMID: 25741868, with internal and published modifications).

Clinical Genetics DNA and cytogenetics Diagnostics Lab, Erasmus MC, Erasmus Medical Center
Classification: Likely benign. Review status: no assertion criteria provided. Collection method: clinical testing. Allele origin: germline. Affected: yes. Study: VKGL Data-share Consensus. Not counted in ClinVar's aggregate classification.

Genome Diagnostics Laboratory, University Medical Center Utrecht
Classification: Likely benign. Review status: no assertion criteria provided. Collection method: clinical testing. Allele origin: germline. Affected: yes. Study: VKGL Data-share Consensus. Not counted in ClinVar's aggregate classification.

NM_014639.4(SKIC3):c.1392C>T (p.Tyr464=)

Gene: SKIC3 (SKI3 subunit of superkiller complex; minus strand). Cytogenetic location: 5q15.
Variant type: single nucleotide variant.
Coding change: c.1392C>T on transcript NM_014639.4 (MANE Select); coding-DNA position 1392, C replaced by T.
Protein change: p.Tyr464=; no amino-acid change (tyrosine 464 retained).
Molecular consequence: synonymous variant.
Genome position (GRCh38, 1-based): chr5:95,524,525, G>A on the plus strand (C>T on the coding strand, the complement: SKIC3 is on the minus strand). VCF-style: chr5-95524525-G-A. GRCh37 (hg19) VCF-style: chr5-94860229-G-A.
Identifiers: ClinVar variation 702041 (VCV000702041.17), dbSNP rs142058280, ClinGen allele CA3347340.
Genomic context (GRCh38, chr5:95,524,525, plus strand): 5'-CTTCAGAAAGTGGGTAAGAGCCTTTGTTTTATCTTTTCTTGTCTCTTCACCCATGAACCA[G>A]TATGTTAATCCAAGTTGGTAATGATATTCTGCAACTTCGGTATCTTTCTCAAGAGCTCTC-3'
Protein context (NP_055454.1, residues 454-474): AEYHYQLGLT[Tyr464=]WFMGEETRKD